The following is an entry in ClinVar:

ClinVar aggregate classification (germline): Uncertain significance. Review status: criteria provided, multiple submitters, no conflicts (2 of 4 stars). 4 submissions from 4 submitters: Uncertain significance (4). Last evaluated 2024-12-03.

Conditions:
Autosomal recessive ataxia, Beauce type. Also called: Spinocerebellar ataxia, autosomal recessive 8; ATAXIA, RECESSIVE, OF BEAUCE; SYNE1-Related Autosomal Recessive Cerebellar Ataxia; SYNE1 Deficiency. Identifiers: Orphanet 88644, MedGen C1853116, MONDO:0012549, OMIM 610743.
Emery-Dreifuss muscular dystrophy 4, autosomal dominant (EDMD4). Also called: EMERY-DREIFUSS MUSCULAR DYSTROPHY 4 WITH VARIABLE FEATURES. Identifiers: Orphanet 261, MedGen C2751807, MONDO:0013071, OMIM 612998.

Allele frequency attached by ClinVar (database versions not stated): gnomAD exomes 0.00001; ExAC 0.00002; gnomAD 0.00010 and 0.00012; TOPMed 0.00010.
gnomAD v4.1: 35 of 1,614,094 alleles (0.0022%); highest among the groups gnomAD compares: African/African-American, 0.019%; no homozygotes.

Submissions (4):

Labcorp Genetics (formerly Invitae), Labcorp
Classification: Uncertain significance for Emery-Dreifuss muscular dystrophy 4, autosomal dominant; Autosomal recessive ataxia, Beauce type. Last evaluated: 2024-12-03. Review status: criteria provided, single submitter. Criteria: Invitae Variant Classification Sherloc (09022015). Collection method: clinical testing. Allele origin: germline.
Comment: This sequence change replaces threonine, which is neutral and polar, with methionine, which is neutral and non-polar, at codon 2998 of the SYNE1 protein (p.Thr2998Met). This variant is present in population databases (rs763526846, gnomAD 0.02%). This variant has not been reported in the literature in individuals affected with SYNE1-related conditions. ClinVar contains an entry for this variant (Variation ID: 284631). An algorithm developed to predict the effect of missense changes on protein structure and function (PolyPhen-2) suggests that this variant is likely to be disruptive. In summary, the available evidence is currently insufficient to determine the role of this variant in disease. Therefore, it has been classified as a Variant of Uncertain Significance.

GeneDx
Classification: Uncertain significance. Last evaluated: 2021-10-05. Review status: criteria provided, single submitter. Criteria: GeneDx Variant Classification Process June 2021. Collection method: clinical testing. Allele origin: germline. Affected: yes.
Comment: In silico analysis supports that this missense variant does not alter protein structure/function; Has not been previously published as pathogenic or benign to our knowledge

Revvity Omics, Revvity
Classification: Uncertain significance. Last evaluated: 2021-04-29. Review status: criteria provided, single submitter. Criteria: ACMG Guidelines, 2015. Collection method: clinical testing. Allele origin: germline.

Eurofins Ntd Llc (ga)
Classification: Uncertain significance. Last evaluated: 2015-11-05. Review status: criteria provided, single submitter. Criteria: EGL Classification Definitions 2015. Collection method: clinical testing. Allele origin: germline. Observed: 1 variant allele, 1 heterozygote.

NM_182961.4(SYNE1):c.8972C>T (p.Thr2991Met)

Genes: SYNE1 (spectrin repeat containing nuclear envelope protein 1; minus strand), SYNE1-AS1 (SYNE1 antisense RNA 1; plus strand). Cytogenetic location: 6q25.2.
Variant type: single nucleotide variant.
Coding change: c.8972C>T on transcript NM_182961.4 (MANE Select); coding-DNA position 8972, C replaced by T.
Protein change: p.Thr2991Met; replaces threonine 2991 with methionine.
Molecular consequence: missense variant.
Genome position (GRCh38, 1-based): chr6:152,381,043, G>A on the plus strand (C>T on the coding strand, the complement: SYNE1 is on the minus strand). VCF-style: chr6-152381043-G-A. GRCh37 (hg19) VCF-style: chr6-152702178-G-A.
Other names: c.8993C>T, p.Thr2998Met (NM_033071.5); short protein forms T2991M, T2998M.
Identifiers: ClinVar variation 284631 (VCV000284631.11), dbSNP rs763526846, ClinGen allele CA4057433.
Genomic context (GRCh38, chr6:152,381,043, plus strand): 5'-TAGAAAACAGGAAGCCAACTTACTTGTCCTTTGTGCCAGCATTCCACTATCTCCTCATCC[G>A]TGTTCTTGCCTTCCAGGAGGGTTAACTGCTGAGCCCAGGTTTTCAGAAGGGCACTGAACT-3'
Protein context (NP_892006.3, residues 2981-3001): QQLTLLEGKN[Thr2991Met]DEEIVECWHK